The following is an entry in ClinVar:

ClinVar aggregate classification (germline): Likely benign. Review status: criteria provided, multiple submitters, no conflicts (2 of 4 stars). 2 submissions from 2 submitters: Likely benign (2). Last evaluated 2025-07-08.

Allele frequency attached by ClinVar (database versions not stated): gnomAD 0.00006; ESP Exome Variant Server 0.00016.
gnomAD v4.1: 18 of 1,606,656 alleles (0.0011%); highest among the groups gnomAD compares: African/African-American, 0.024%; no homozygotes.

Submissions (2):

Labcorp Genetics (formerly Invitae), Labcorp
Classification: Likely benign. Last evaluated: 2025-07-08. Review status: criteria provided, single submitter. Criteria: Invitae Variant Classification Sherloc (09022015). Collection method: clinical testing. Allele origin: germline.

CeGaT Center for Human Genetics Tuebingen
Classification: Likely benign. Last evaluated: 2024-06-01. Review status: criteria provided, single submitter. Criteria: CeGaT Center For Human Genetics Tuebingen Variant Classification Criteria Version 2. Collection method: clinical testing. Allele origin: germline. Affected: yes. Observed: 1 variant allele.
Comment: CACNA1B: BP4, BP7

NM_000718.4(CACNA1B):c.4939C>T (p.Leu1647=)

Gene: CACNA1B (calcium voltage-gated channel subunit alpha1 B; plus strand). Cytogenetic location: 9q34.3.
Variant type: single nucleotide variant.
Coding change: c.4939C>T on transcript NM_000718.4 (MANE Select); coding-DNA position 4939, C replaced by T.
Protein change: p.Leu1647=; no amino-acid change (leucine 1647 retained).
Molecular consequence: synonymous variant.
Genome position (GRCh38, 1-based): chr9:138,075,900, C>T. VCF-style: chr9-138075900-C-T. GRCh37 (hg19) VCF-style: chr9-140970352-C-T.
Other names: c.4939C>T, p.Leu1647= (NM_001243812.2).
Identifiers: ClinVar variation 3010026 (VCV003010026.21), dbSNP rs377675321, ClinGen allele CA5377191.